The following is an entry in ClinVar:

NM_024422.6(DSC2):c.869C>A (p.Pro290Gln)

Gene: DSC2 (desmocollin 2; minus strand). Cytogenetic location: 18q12.1.
Variant type: single nucleotide variant.
Coding change: c.869C>A on transcript NM_024422.6 (MANE Select); coding-DNA position 869, C replaced by A.
Protein change: p.Pro290Gln; replaces proline 290 with glutamine.
Molecular consequence: missense variant.
Genome position (GRCh38, 1-based): chr18:31,086,649, G>T on the plus strand (C>A on the coding strand, the complement: DSC2 is on the minus strand). VCF-style: chr18-31086649-G-T. GRCh37 (hg19) VCF-style: chr18-28666612-G-T.
Other names: c.869C>A, p.Pro290Gln (NM_004949.5); short protein forms P290Q.
Identifiers: ClinVar variation 924652 (VCV000924652.5), dbSNP rs753579789, ClinGen allele CA040365.

ClinVar aggregate classification (germline): Uncertain significance (1 of 4 stars; one submission).

Conditions:
Cardiomyopathy (CMYO). Also called: Cardiomyopathies. Identifiers: Orphanet 167848, MedGen C0878544, MONDO:0004994, HP:0001638. Inheritance: Various modes of inheritance.

Allele frequency attached by ClinVar (database versions not stated): gnomAD exomes below 0.00001; ExAC 0.00001.
gnomAD v4.1: 1 of 1,614,152 alleles (0.000062%); highest among the groups gnomAD compares: South Asian, 0.0011%; no homozygotes.

Submission:

Color Diagnostics, LLC DBA Color Health
Classification: Uncertain significance for Cardiomyopathy. Last evaluated: 2023-12-04. Review status: criteria provided, single submitter. Criteria: ACMG Guidelines, 2015. Collection method: clinical testing. Allele origin: germline.
Comment: Variant of Uncertain Significance due to insufficient evidence: This missense variant replaces proline with glutamine at codon 290 of the DSC2 protein. Computational prediction tools and conservation analyses are inconclusive regarding the impact of this variant on the protein function. Computational splicing tools suggest that this variant may not impact RNA splicing. To our knowledge, functional assays have not been performed for this variant nor has this variant been reported in individuals affected with cardiovascular disorders in the literature. This variant has been identified in 1/246190 chromosomes in the general population by the Genome Aggregation Database (gnomAD). Available evidence is insufficient to determine the role of this variant in disease conclusively.